The following is an entry in ClinVar:

ClinVar aggregate classification (germline): Uncertain significance. Review status: criteria provided, multiple submitters, no conflicts (2 of 4 stars). 3 submissions from 3 submitters: Uncertain significance (3). Last evaluated 2025-04-28.

Conditions:
Glycogen storage disease, type II (IOPD). Also called: Pompe Disease; Glucosidase acid-1,4-alpha deficiency; GLYCOGENOSIS, GENERALIZED, CARDIAC FORM; GSD II; Glycogen storage disease type 2; Acid maltase deficiency disease. Identifiers: Orphanet 365, MedGen C0017921, MONDO:0009290, OMIM 232300.
Cardiovascular phenotype. Identifiers: MedGen CN230736.

Allele frequency attached by ClinVar (database versions not stated): gnomAD 0.00001; TOPMed 0.00001; gnomAD exomes 0.00002; ExAC 0.00004.
gnomAD v4.1: 7 of 1,610,970 alleles (0.00043%); highest among the groups gnomAD compares: East Asian, 0.016%; no homozygotes.

Submissions (3):

Ambry Genetics
Classification: Uncertain significance for Cardiovascular phenotype. Last evaluated: 2025-04-28. Review status: criteria provided, single submitter. Criteria: Ambry Variant Classification Scheme 2023. Collection method: clinical testing. Allele origin: germline.

Revvity Omics, Revvity
Classification: Uncertain significance. Last evaluated: 2023-12-18. Review status: criteria provided, single submitter. Criteria: ACMG Guidelines, 2015. Collection method: clinical testing. Allele origin: germline.

Labcorp Genetics (formerly Invitae), Labcorp
Classification: Uncertain significance for Glycogen storage disease, type II. Last evaluated: 2021-09-24. Review status: criteria provided, single submitter. Criteria: Invitae Variant Classification Sherloc (09022015). Collection method: clinical testing. Allele origin: germline.
Comment: This sequence change replaces proline with threonine at codon 669 of the GAA protein (p.Pro669Thr). The proline residue is highly conserved and there is a small physicochemical difference between proline and threonine. The frequency data for this variant in the population databases is considered unreliable, as metrics indicate poor data quality at this position in the ExAC database. This variant has not been reported in the literature in individuals with GAA-related conditions. Algorithms developed to predict the effect of missense changes on protein structure and function (SIFT, PolyPhen-2, Align-GVGD) all suggest that this variant is likely to be disruptive, but these predictions have not been confirmed by published functional studies and their clinical significance is uncertain. In summary, the available evidence is currently insufficient to determine the role of this variant in disease. Therefore, it has been classified as a Variant of Uncertain Significance.

NM_000152.5(GAA):c.2005C>A (p.Pro669Thr)

Gene: GAA (alpha glucosidase; plus strand). Cytogenetic location: 17q25.3.
Variant type: single nucleotide variant.
Coding change: c.2005C>A on transcript NM_000152.5 (MANE Select); coding-DNA position 2005, C replaced by A.
Protein change: p.Pro669Thr; replaces proline 669 with threonine.
Molecular consequence: missense variant.
Genome position (GRCh38, 1-based): chr17:80,112,992, C>A. VCF-style: chr17-80112992-C-A. GRCh37 (hg19) VCF-style: chr17-78086791-C-A.
Other names: c.2005C>A, p.Pro669Thr (NM_001079803.3, NM_001079804.3); short protein forms P669T.
Identifiers: ClinVar variation 1440542 (VCV001440542.9), dbSNP rs752507985, ClinGen allele CA8815562.